The following is an entry in ClinVar:

NM_007078.3(LDB3):c.2056C>G (p.Leu686Val)

Gene: LDB3 (LIM domain binding 3; plus strand). Cytogenetic location: 10q23.2.
Variant type: single nucleotide variant.
Coding change: c.2056C>G on transcript NM_007078.3 (MANE Select); coding-DNA position 2056, C replaced by G.
Protein change: p.Leu686Val; replaces leucine 686 with valine.
Molecular consequence: missense variant.
Genome position (GRCh38, 1-based): chr10:86,726,214, C>G. VCF-style: chr10-86726214-C-G. GRCh37 (hg19) VCF-style: chr10-88485971-C-G.
Other names: c.1726C>G, p.Leu576Val (NM_001080114.2); c.2071C>G, p.Leu691Val (NM_001171610.2); c.1867C>G, p.Leu623Val (NM_001368064.1, NM_001368065.1); c.1915C>G, p.Leu639Val (NM_001368066.1); c.2056C>G (NM_007078.2); short protein forms L576V, L686V, L691V, L623V, L639V.
Identifiers: ClinVar variation 1039920 (VCV001039920.8), dbSNP rs910863988, ClinGen allele CA211213936.
Genomic context (GRCh38, chr10:86,726,214, plus strand): 5'-AGCACCAAGTGCCATGGCTGCGATTTCCCCGTGGAGGCTGGCGACAAGTTTATCGAAGCC[C>G]TGGGCCACACTTGGCACGACACCTGCTTCATTTGCGCAGTATGTCTCTAGCTTGGGGCTC-3'
Protein context (NP_009009.1, residues 676-696): VEAGDKFIEA[Leu686Val]GHTWHDTCFI

ClinVar aggregate classification (germline): Uncertain significance. Review status: criteria provided, multiple submitters, no conflicts (2 of 4 stars). 2 submissions from 2 submitters: Uncertain significance (2). Last evaluated 2025-01-19.

Conditions:
Cardiovascular phenotype. Identifiers: MedGen CN230736.
Myofibrillar myopathy 4. Also called: Zaspopathy (type). Identifiers: Orphanet 98912, MedGen C4721886, MONDO:0012277, OMIM 609452.

Allele frequency attached by ClinVar (database versions not stated): gnomAD exomes below 0.00001; gnomAD 0.00001; TOPMed 0.00001.
gnomAD v4.1: 5 of 1,613,996 alleles (0.00031%); highest among the groups gnomAD compares: Non-Finnish European, 0.00042%; no homozygotes.

Submissions (2):

Ambry Genetics
Classification: Uncertain significance for Cardiovascular phenotype. Last evaluated: 2025-01-19. Review status: criteria provided, single submitter. Criteria: Ambry Variant Classification Scheme 2023. Collection method: clinical testing. Allele origin: germline.
Comment: The p.L686V variant (also known as c.2056C>G), located in coding exon 12 of the LDB3 gene, results from a C to G substitution at nucleotide position 2056. The leucine at codon 686 is replaced by valine, an amino acid with highly similar properties. This amino acid position is conserved. In addition, this alteration is predicted to be deleterious by in silico analysis. Based on the available evidence, the clinical significance of this variant remains unclear.

Labcorp Genetics (formerly Invitae), Labcorp
Classification: Uncertain significance for Myofibrillar myopathy 4. Last evaluated: 2024-03-20. Review status: criteria provided, single submitter. Criteria: Invitae Variant Classification Sherloc (09022015). Collection method: clinical testing. Allele origin: germline.
Comment: The LDB3 gene has multiple clinically relevant transcripts. This variant occurs in alternate transcript NM_007078.3, and corresponds to NM_001080116.1:c.*26840C>G in the primary transcript. This sequence change replaces leucine, which is neutral and non-polar, with valine, which is neutral and non-polar, at codon 686 of the LDB3 protein (p.Leu686Val). This variant is not present in population databases (gnomAD no frequency). This variant has not been reported in the literature in individuals affected with LDB3-related conditions. Experimental studies and prediction algorithms are not available or were not evaluated, and the functional significance of this variant is currently unknown. In summary, the available evidence is currently insufficient to determine the role of this variant in disease. Therefore, it has been classified as a Variant of Uncertain Significance.